The following is an entry in ClinVar:

ClinVar aggregate classification (germline): Uncertain significance. Review status: criteria provided, multiple submitters, no conflicts (2 of 4 stars). 8 submissions from 8 submitters: Uncertain significance (7). 1 of the submissions does not count toward it. Last evaluated 2026-01-05.

Conditions:
Hereditary cancer-predisposing syndrome. Also called: Neoplastic Syndromes, Hereditary; Hereditary Cancer Syndrome; Tumor predisposition; Hereditary neoplastic syndrome. Identifiers: Orphanet 140162, MedGen C0027672, MeSH D009386, MONDO:0015356.
Familial cancer of breast. Also called: BREAST CANCER, FAMILIAL; hereditary breast carcinoma; Hereditary breast cancer. Identifiers: Orphanet 227535, MedGen C0346153, MONDO:0016419, OMIM 114480. Disease mechanism: loss of function.
Ataxia-telangiectasia syndrome (AT). Also called: Ataxia-telangiectasia, complementation group D; AT, COMPLEMENTATION GROUP C; Ataxia-telangiectasia; ATAXIA-TELANGIECTASIA, COMPLEMENTATION GROUP A; ATAXIA-TELANGIECTASIA, FRESNO VARIANT; Ataxia-telangiectasia, complementation group E. Identifiers: Orphanet 100, MedGen C0004135, MONDO:0008840, OMIM 208900.

Allele frequency attached by ClinVar (database versions not stated): gnomAD 0.00001; ExAC 0.00002; gnomAD exomes 0.00004 and 0.00002; TOPMed 0.00001.
gnomAD v4.1: 14 of 1,613,980 alleles (0.00087%); highest among the groups gnomAD compares: Admixed American, 0.023%; no homozygotes.

Submissions (8):

Women's Health and Genetics/Laboratory Corporation of America, LabCorp
Classification: Uncertain significance. Last evaluated: 2026-01-05. Review status: criteria provided, single submitter. Criteria: LabCorp Variant Classification Summary - May 2015. Collection method: clinical testing. Allele origin: germline.
Comment: Variant summary: ATM c.8716G>A (p.Val2906Ile) results in a conservative amino acid change located in the Phosphatidylinositol 3-/4-kinase, catalytic domain (IPR000403) of the encoded protein sequence. Algorithms developed to predict the effect of missense changes on protein structure and function are either unavailable or do not agree on the potential impact of this missense change. The variant allele was found at a frequency of 4e-05 in 251452 control chromosomes. This frequency is not significantly higher than estimated for disease-causing variants in ATM, allowing no conclusion about variant significance. c.8716G>A has been observed in an individual affected with Malignant Peritoneal Mesothelioma (Altshuler_2024). These report(s) do not provide unequivocal conclusions about association of the variant with Ataxia-telangiectasia syndrome. To our knowledge, no experimental evidence demonstrating an impact on protein function has been reported. The following publications have been ascertained in the context of this evaluation (PMID: 38803090, 24643969). ClinVar contains an entry for this variant (Variation ID: 135784). Based on the evidence outlined above, the variant was classified as uncertain significance.

Ambry Genetics
Classification: Uncertain significance for Hereditary cancer-predisposing syndrome. Last evaluated: 2025-12-22. Review status: criteria provided, single submitter. Criteria: Ambry Variant Classification Scheme 2023. Collection method: clinical testing. Allele origin: germline.
Comment: The p.V2906I variant (also known as c.8716G>A), located in coding exon 59 of the ATM gene, results from a G to A substitution at nucleotide position 8716. The valine at codon 2906 is replaced by isoleucine, an amino acid with highly similar properties. In an assay testing ATM function, this variant showed a functionally indeterminant result (Lee KS et al. Cell, 2025 Sep;188:5081-5099.e27). This amino acid position is highly conserved in available vertebrate species. In addition, the in silico prediction for this alteration is inconclusive. Based on the available evidence, the clinical significance of this variant remains unclear.

Labcorp Genetics (formerly Invitae), Labcorp
Classification: Uncertain significance for Ataxia-telangiectasia syndrome. Last evaluated: 2025-12-14. Review status: criteria provided, single submitter. Criteria: Invitae Variant Classification Sherloc (09022015). Collection method: clinical testing. Allele origin: germline.
Comment: This sequence change replaces valine, which is neutral and non-polar, with isoleucine, which is neutral and non-polar, at codon 2906 of the ATM protein (p.Val2906Ile). This variant is present in population databases (rs587780643, gnomAD 0.03%). This variant has not been reported in the literature in individuals affected with ATM-related conditions. ClinVar contains an entry for this variant (Variation ID: 135784). Invitae Evidence Modeling of protein sequence and biophysical properties (such as structural, functional, and spatial information, amino acid conservation, physicochemical variation, residue mobility, and thermodynamic stability) has been performed for this missense variant. However, the output from this modeling did not meet the statistical confidence thresholds required to predict the impact of this variant on ATM protein function. In summary, the available evidence is currently insufficient to determine the role of this variant in disease. Therefore, it has been classified as a Variant of Uncertain Significance.

Color Diagnostics, LLC DBA Color Health
Classification: Uncertain significance for Hereditary cancer-predisposing syndrome. Last evaluated: 2025-12-10. Review status: criteria provided, single submitter. Criteria: ACMG Guidelines, 2015. Collection method: clinical testing. Allele origin: germline.
Comment: This missense variant replaces valine with isoleucine at codon 2906 of the ATM protein. Computational predictions are inconclusive regarding the impact of this variant on protein structure and function. To our knowledge, functional studies have not been reported for this variant. This variant has not been reported in individuals affected with ATM-related disorders in the literature. This variant has been identified in 14/1613980 chromosomes in the general population by the Genome Aggregation Database (gnomAD). The available evidence is insufficient to determine the role of this variant in disease conclusively. Therefore, this variant is classified as a Variant of Uncertain Significance.

GeneDx
Classification: Uncertain significance. Last evaluated: 2024-02-07. Review status: criteria provided, single submitter. Criteria: GeneDx Variant Classification Process June 2021. Collection method: clinical testing. Allele origin: germline. Affected: yes.
Comment: In silico analysis supports that this missense variant does not alter protein structure/function; Has not been previously published as pathogenic or benign to our knowledge; This variant is associated with the following publications: (PMID: 23532176, 24643969)

Baylor Genetics
Classification: Uncertain significance for Familial cancer of breast. Last evaluated: 2023-10-09. Review status: criteria provided, single submitter. Criteria: ACMG Guidelines, 2015. Collection method: clinical testing. Allele origin: unknown.

Sema4
Classification: Uncertain significance for Hereditary cancer-predisposing syndrome. Last evaluated: 2021-11-23. Review status: criteria provided, single submitter. Criteria: Sema4 Curation Guidelines. Collection method: curation. Allele origin: germline.
Comment: To the best of our knowledge, the ATM c.8716G>A (p.V2906I) variant has not been reported in individuals with ATM-related disease. It was observed in 10/34592 chromosomes of the Latino subpopulation, with no homozygotes, in the large and broad cohorts of the Genome Aggregation Database (PMID: 32461654). This variant has been reported in ClinVar (Variation ID 135784). Functional studies have not been performed, and in silico predictions of the variant's effect on protein function are inconclusive. The evidence is insufficient to meet ACMG/AMP criteria for classifying the variant as benign or pathogenic. Thus, the clinical significance of this variant is currently uncertain.

Natera, Inc.
Classification: Uncertain significance for Ataxia-telangiectasia. Last evaluated: 2020-09-16. Review status: no assertion criteria provided. Collection method: clinical testing. Allele origin: germline. Not counted in ClinVar's aggregate classification.

Literature cited by the submitters: PubMed 24643969 (cited by Women's Health and Genetics/Laboratory Corporation of America, LabCorp); PubMed 38803090 (cited by Women's Health and Genetics/Laboratory Corporation of America, LabCorp); PubMed 40580951 (cited by Ambry Genetics).

NM_000051.4(ATM):c.8716G>A (p.Val2906Ile)

Genes: ATM (ATM serine/threonine kinase; plus strand), C11orf65 (chromosome 11 open reading frame 65; minus strand). Cytogenetic location: 11q22.3.
Variant type: single nucleotide variant.
Coding change: c.8716G>A on transcript NM_000051.4 (MANE Select); coding-DNA position 8716, G replaced by A.
Protein change: p.Val2906Ile; replaces valine 2906 with isoleucine.
Molecular consequence: missense variant. On other transcripts: intron variant (2).
Genome position (GRCh38, 1-based): chr11:108,353,810, G>A. VCF-style: chr11-108353810-G-A. GRCh37 (hg19) VCF-style: chr11-108224537-G-A.
Other names: c.8716G>A, p.Val2906Ile (NM_001351834.2); c.640+32110C>T (NM_001330368.2); c.695-18518C>T (NM_001351110.2); short protein forms V2906I.
Identifiers: ClinVar variation 135784 (VCV000135784.28), dbSNP rs587780643, ClinGen allele CA332363.